The following is an entry in ClinVar:

ClinVar aggregate classification (germline): Conflicting classifications of pathogenicity. Review status: criteria provided, conflicting classifications (1 of 4 stars). 2 submissions from 2 submitters: Uncertain significance (1); Benign (1). Last evaluated 2024-10-20.

Conditions:
Inborn genetic diseases. Identifiers: MedGen C0950123, MeSH D030342.
Parkinson disease 17 (PARK17). Also called: VPS35-Related Parkinson Disease. Identifiers: Orphanet 411602, MedGen C3280133, MONDO:0013625, OMIM 614203.

Allele frequency attached by ClinVar (database versions not stated): gnomAD exomes 0.00001 and 0.00002; ExAC 0.00002; TOPMed 0.00006; gnomAD 0.00012; ESP Exome Variant Server 0.00023.
gnomAD v4.1: 26 of 1,613,494 alleles (0.0016%); highest among the groups gnomAD compares: African/African-American, 0.035%; no homozygotes.

Submissions (2):

Ambry Genetics
Classification: Uncertain significance for Inborn genetic diseases. Last evaluated: 2024-10-20. Review status: criteria provided, single submitter. Criteria: Ambry Variant Classification Scheme 2023. Collection method: clinical testing. Allele origin: germline.

Illumina Laboratory Services, Illumina
Classification: Benign for Parkinson disease 17. Last evaluated: 2017-04-28. Review status: criteria provided, single submitter. Criteria: ICSL Variant Classification Criteria 13 December 2019. Collection method: clinical testing. Allele origin: germline.
Comment: This variant was observed as part of a predisposition screen in an ostensibly healthy population. A literature search was performed for the gene, cDNA change, and amino acid change (where applicable). No publications were found based on this search. Allele frequency data from public databases was too high to be consistent with this variant causing disease. Therefore, this variant is classified as benign.

NM_018206.6(VPS35):c.1268C>T (p.Pro423Leu)

Gene: VPS35 (VPS35 retromer complex component; minus strand). Cytogenetic location: 16q11.2.
Variant type: single nucleotide variant.
Coding change: c.1268C>T on transcript NM_018206.6 (MANE Select); coding-DNA position 1268, C replaced by T.
Protein change: p.Pro423Leu; replaces proline 423 with leucine.
Molecular consequence: missense variant.
Genome position (GRCh38, 1-based): chr16:46,672,365, G>A on the plus strand (C>T on the coding strand, the complement: VPS35 is on the minus strand). VCF-style: chr16-46672365-G-A. GRCh37 (hg19) VCF-style: chr16-46706277-G-A.
Other names: short protein forms P423L.
Identifiers: ClinVar variation 884714 (VCV000884714.5), dbSNP rs373075116, ClinGen allele CA8036860.